The following is an entry in ClinVar:

NM_014000.3(VCL):c.1161G>C (p.Lys387Asn)

Gene: VCL (vinculin; plus strand). Cytogenetic location: 10q22.2.
Variant type: single nucleotide variant.
Coding change: c.1161G>C on transcript NM_014000.3 (MANE Select); coding-DNA position 1161, G replaced by C.
Protein change: p.Lys387Asn; replaces lysine 387 with asparagine.
Molecular consequence: missense variant.
Genome position (GRCh38, 1-based): chr10:74,089,334, G>C. VCF-style: chr10-74089334-G-C. GRCh37 (hg19) VCF-style: chr10-75849092-G-C.
Other names: c.1161G>C, p.Lys387Asn (NM_003373.4); short protein forms K387N.
Identifiers: ClinVar variation 3647085 (VCV003647085.2).

ClinVar aggregate classification (germline): Uncertain significance (1 of 4 stars; one submission).

Conditions:
Dilated cardiomyopathy 1W (CMD1W). Identifiers: Orphanet 154, MedGen C1969639, MONDO:0012667, OMIM 611407.

Submission:

Labcorp Genetics (formerly Invitae), Labcorp
Classification: Uncertain significance for Dilated cardiomyopathy 1W. Last evaluated: 2024-05-09. Review status: criteria provided, single submitter. Criteria: Invitae Variant Classification Sherloc (09022015). Collection method: clinical testing. Allele origin: germline.
Comment: This sequence change replaces lysine, which is basic and polar, with asparagine, which is neutral and polar, at codon 387 of the VCL protein (p.Lys387Asn). This variant is not present in population databases (gnomAD no frequency). This variant has not been reported in the literature in individuals affected with VCL-related conditions. An algorithm developed to predict the effect of missense changes on protein structure and function (PolyPhen-2) suggests that this variant is likely to be disruptive. In summary, the available evidence is currently insufficient to determine the role of this variant in disease. Therefore, it has been classified as a Variant of Uncertain Significance.